The following is an entry in ClinVar:

NM_006206.6(PDGFRA):c.1269T>A (p.Asp423Glu)

Gene: PDGFRA (platelet derived growth factor receptor alpha; plus strand). Cytogenetic location: 4q12.
Variant type: single nucleotide variant.
Coding change: c.1269T>A on transcript NM_006206.6 (MANE Select); coding-DNA position 1269, T replaced by A.
Protein change: p.Asp423Glu; replaces aspartic acid 423 with glutamic acid.
Molecular consequence: missense variant.
Genome position (GRCh38, 1-based): chr4:54,272,425, T>A. VCF-style: chr4-54272425-T-A. GRCh37 (hg19) VCF-style: chr4-55138592-T-A.
Other names: c.1269T>A, p.Asp423Glu (NM_001347827.2, NM_001347829.2); c.1344T>A, p.Asp448Glu (NM_001347828.2); c.1308T>A, p.Asp436Glu (NM_001347830.2); short protein forms D436E, D448E, D423E.
Identifiers: ClinVar variation 5026436 (VCV005026436.1).

ClinVar aggregate classification (germline): Uncertain significance (1 of 4 stars; one submission).

Conditions:
Hereditary cancer-predisposing syndrome. Also called: Neoplastic Syndromes, Hereditary; Tumor predisposition; Hereditary neoplastic syndrome; Hereditary Cancer Syndrome. Identifiers: Orphanet 140162, MedGen C0027672, MeSH D009386, MONDO:0015356.

Submission:

Ambry Genetics
Classification: Uncertain significance for Hereditary cancer-predisposing syndrome. Last evaluated: 2026-07-07. Review status: criteria provided, single submitter. Criteria: Ambry Variant Classification Scheme 2023. Collection method: clinical testing. Allele origin: germline.
Comment: The p.D423E variant (also known as c.1269T>A), located in coding exon 8 of the PDGFRA gene, results from a T to A substitution at nucleotide position 1269. The aspartic acid at codon 423 is replaced by glutamic acid, an amino acid with highly similar properties. This amino acid position is conserved. In addition, this alteration is predicted to be tolerated by in silico analysis. Based on the available evidence, the clinical significance of this variant remains unclear.